The following is an entry in ClinVar:

NM_001846.4(COL4A2):c.4715C>T (p.Pro1572Leu)

Genes: COL4A2 (collagen type IV alpha 2 chain; plus strand), COL4A2-AS1 (COL4A2 antisense RNA 1; minus strand). Cytogenetic location: 13q34.
Variant type: single nucleotide variant.
Coding change: c.4715C>T on transcript NM_001846.4 (MANE Select); coding-DNA position 4715, C replaced by T.
Protein change: p.Pro1572Leu; replaces proline 1572 with leucine.
Molecular consequence: missense variant.
Genome position (GRCh38, 1-based): chr13:110,508,055, C>T. VCF-style: chr13-110508055-C-T. GRCh37 (hg19) VCF-style: chr13-111160402-C-T.
Other names: short protein forms P1572L.
Identifiers: ClinVar variation 3665490 (VCV003665490.2).
Genomic context (GRCh38, chr13:110,508,055, plus strand): 5'-GTGATGTCTGCTACTATGCCAGCCGGAACGACAAGTCCTACTGGCTCTCTACCACTGCGC[C>T]GCTGCCCATGATGCCCGTGGCCGAGGACGAGATCAAGCCCTACATCAGCCGCTGTTCTGT-3'
Protein context (NP_001837.2, residues 1562-1582): DKSYWLSTTA[Pro1572Leu]LPMMPVAEDE

ClinVar aggregate classification (germline): Uncertain significance (1 of 4 stars; one submission).

gnomAD v4.1: 2 of 1,614,248 alleles (0.00012%); highest among the groups gnomAD compares: East Asian, 0.0022%; no homozygotes.

Submission:

Labcorp Genetics (formerly Invitae), Labcorp
Classification: Uncertain significance. Last evaluated: 2024-10-06. Review status: criteria provided, single submitter. Criteria: Invitae Variant Classification Sherloc (09022015). Collection method: clinical testing. Allele origin: germline.
Comment: This sequence change replaces proline, which is neutral and non-polar, with leucine, which is neutral and non-polar, at codon 1572 of the COL4A2 protein (p.Pro1572Leu). This variant is not present in population databases (gnomAD no frequency). This variant has not been reported in the literature in individuals affected with COL4A2-related conditions. Invitae Evidence Modeling of protein sequence and biophysical properties (such as structural, functional, and spatial information, amino acid conservation, physicochemical variation, residue mobility, and thermodynamic stability) indicates that this missense variant is not expected to disrupt COL4A2 protein function with a negative predictive value of 95%. In summary, the available evidence is currently insufficient to determine the role of this variant in disease. Therefore, it has been classified as a Variant of Uncertain Significance.